The following is an entry in ClinVar:

NM_000321.3(RB1):c.2660G>C (p.Gly887Ala)

Gene: RB1 (RB transcriptional corepressor 1; plus strand). Cytogenetic location: 13q14.2.
Variant type: single nucleotide variant.
Coding change: c.2660G>C on transcript NM_000321.3 (MANE Select); coding-DNA position 2660, G replaced by C.
Protein change: p.Gly887Ala; replaces glycine 887 with alanine.
Molecular consequence: missense variant.
Genome position (GRCh38, 1-based): chr13:48,476,840, G>C. VCF-style: chr13-48476840-G-C. GRCh37 (hg19) VCF-style: chr13-49050976-G-C.
Other names: short protein forms G887A.
Identifiers: ClinVar variation 1499470 (VCV001499470.6), dbSNP rs1566241021, ClinGen allele CA388157659.

ClinVar aggregate classification (germline): Uncertain significance (1 of 4 stars; one submission).

Conditions:
Retinoblastoma (RB1). Also called: RETINOBLASTOMA, SOMATIC. Identifiers: Orphanet 790, MedGen C0035335, MeSH D012175, MONDO:0008380, OMIM 180200, HP:0009919. Disease mechanism: loss of function. Inheritance: Both sporadic and heritable forms are tested..

Submission:

Labcorp Genetics (formerly Invitae), Labcorp
Classification: Uncertain significance for Retinoblastoma. Last evaluated: 2021-08-02. Review status: criteria provided, single submitter. Criteria: Invitae Variant Classification Sherloc (09022015). Collection method: clinical testing. Allele origin: germline.
Comment: In summary, the available evidence is currently insufficient to determine the role of this variant in disease. Therefore, it has been classified as a Variant of Uncertain Significance. Algorithms developed to predict the effect of missense changes on protein structure and function (SIFT, PolyPhen-2, Align-GVGD) all suggest that this variant is likely to be disruptive. This variant has not been reported in the literature in individuals affected with RB1-related conditions. This variant is not present in population databases (ExAC no frequency). This sequence change replaces glycine with alanine at codon 887 of the RB1 protein (p.Gly887Ala). The glycine residue is highly conserved and there is a small physicochemical difference between glycine and alanine.